The following is an entry in ClinVar:

NM_001303.4(COX10):c.44-178G>A

Gene: COX10 (cytochrome c oxidase assembly factor heme A:farnesyltransferase COX10; plus strand). Cytogenetic location: 17p12.
Variant type: single nucleotide variant.
Coding change: c.44-178G>A on transcript NM_001303.4 (MANE Select); 178 bases into the intron before coding-DNA position 44, G replaced by A.
Molecular consequence: intron variant.
Genome position (GRCh38, 1-based): chr17:14,074,145, G>A. VCF-style: chr17-14074145-G-A. GRCh37 (hg19) VCF-style: chr17-13977462-G-A.
Identifiers: ClinVar variation 683588 (VCV000683588.2), dbSNP rs11870213, ClinGen allele CA14372756.

ClinVar aggregate classification (germline): Benign. Review status: criteria provided, multiple submitters, no conflicts (2 of 4 stars). 2 submissions from 2 submitters: Benign (2). Last evaluated 2018-06-14.

Allele frequency attached by ClinVar (database versions not stated): TOPMed 0.39580; gnomAD 0.39974 and 0.40147; 1000 Genomes Project 30x 0.41818; 1000 Genomes Project 0.41853.
gnomAD v4.1: 61,092 of 151,952 alleles (40%); highest among the groups gnomAD compares: East Asian, 49%; 12,342 homozygotes.

Submissions (2):

GeneDx
Classification: Benign. Last evaluated: 2018-06-14. Review status: criteria provided, single submitter. Criteria: GeneDx Variant Classification (06012015). Collection method: clinical testing. Allele origin: germline. Affected: yes.
Comment: This variant is considered likely benign or benign based on one or more of the following criteria: it is a conservative change, it occurs at a poorly conserved position in the protein, it is predicted to be benign by multiple in silico algorithms, and/or has population frequency not consistent with disease.

Breakthrough Genomics
Classification: Benign. Review status: criteria provided, single submitter. Criteria: ACMG Guidelines, 2015. Collection method: not provided. Allele origin: germline. Inheritance: Autosomal recessive inheritance. Affected: yes.